The following is an entry in ClinVar:

ClinVar aggregate classification (germline): Uncertain significance (1 of 4 stars; one submission).

Allele frequency attached by ClinVar (database versions not stated): ExAC 0.00013; ESP Exome Variant Server 0.00023; gnomAD 0.00027.
gnomAD v4.1: 766 of 1,613,956 alleles (0.047%); highest among the groups gnomAD compares: Non-Finnish European, 0.06%; 1 homozygote.

Submission:

Labcorp Genetics (formerly Invitae), Labcorp
Classification: Uncertain significance. Last evaluated: 2025-12-23. Review status: criteria provided, single submitter. Criteria: Invitae Variant Classification Sherloc (09022015). Collection method: clinical testing. Allele origin: germline.
Comment: This sequence change replaces methionine, which is neutral and non-polar, with threonine, which is neutral and polar, at codon 418 of the TRPV6 protein (p.Met418Thr). This variant is present in population databases (rs201693115, gnomAD 0.04%). This variant has not been reported in the literature in individuals affected with TRPV6-related conditions. ClinVar contains an entry for this variant (Variation ID: 2716469). An algorithm developed to predict the effect of missense changes on protein structure and function outputs the following: PolyPhen-2: "Not Available". The threonine amino acid residue is found in multiple mammalian species, which suggests that this missense change does not adversely affect protein function. In summary, the available evidence is currently insufficient to determine the role of this variant in disease. Therefore, it has been classified as a Variant of Uncertain Significance.

NM_018646.6(TRPV6):c.1253T>C (p.Met418Thr)

Gene: TRPV6 (transient receptor potential cation channel subfamily V member 6; minus strand). Cytogenetic location: 7q34.
Variant type: single nucleotide variant.
Coding change: c.1253T>C on transcript NM_018646.6 (MANE Select); coding-DNA position 1253, T replaced by C.
Protein change: p.Met418Thr; replaces methionine 418 with threonine.
Molecular consequence: missense variant.
Genome position (GRCh38, 1-based): chr7:142,875,154, A>G on the plus strand (T>C on the coding strand, the complement: TRPV6 is on the minus strand). VCF-style: chr7-142875154-A-G. GRCh37 (hg19) VCF-style: chr7-142572907-A-G.
Other names: short protein forms M418T.
Identifiers: ClinVar variation 2716469 (VCV002716469.3), dbSNP rs201693115, ClinGen allele CA4532578.